The following is an entry in ClinVar:

ClinVar aggregate classification (germline): Uncertain significance. Review status: criteria provided, multiple submitters, no conflicts (2 of 4 stars). 2 submissions from 2 submitters: Uncertain significance (2). Last evaluated 2024-07-21.

Conditions:
Aortic aneurysm, familial thoracic 8 (AAT8). Identifiers: MedGen C3809513, MONDO:0014187, OMIM 615436.

Allele frequency attached by ClinVar (database versions not stated): ExAC 0.00001; gnomAD 0.00001 and 0.00002; gnomAD exomes 0.00001 and 0.00002; TOPMed 0.00004.
gnomAD v4.1: 12 of 1,607,818 alleles (0.00075%); highest among the groups gnomAD compares: African/African-American, 0.0027%; no homozygotes.

Submissions (2):

Labcorp Genetics (formerly Invitae), Labcorp
Classification: Uncertain significance for Aortic aneurysm, familial thoracic 8. Last evaluated: 2024-07-21. Review status: criteria provided, single submitter. Criteria: Invitae Variant Classification Sherloc (09022015). Collection method: clinical testing. Allele origin: germline.
Comment: This sequence change replaces valine, which is neutral and non-polar, with isoleucine, which is neutral and non-polar, at codon 196 of the PRKG1 protein (p.Val196Ile). This variant is present in population databases (rs777385159, gnomAD 0.01%). This variant has not been reported in the literature in individuals affected with PRKG1-related conditions. ClinVar contains an entry for this variant (Variation ID: 568910). An algorithm developed to predict the effect of missense changes on protein structure and function (PolyPhen-2) suggests that this variant¬†is likely to be tolerated. In summary, the available evidence is currently insufficient to determine the role of this variant in disease. Therefore, it has been classified as a Variant of Uncertain Significance.

GeneDx
Classification: Uncertain significance. Last evaluated: 2021-04-07. Review status: criteria provided, single submitter. Criteria: GeneDx Variant Classification Process June 2021. Collection method: clinical testing. Allele origin: germline. Affected: yes.
Comment: Has not been previously published as pathogenic or benign to our knowledge; Not observed at a significant frequency in large population cohorts (Lek et al., 2016); In silico analysis supports that this missense variant does not alter protein structure/function; Reported in ClinVar as a variant of uncertain significance (ClinVar Variant ID# 568910; Landrum et al., 2016)

NM_006258.4(PRKG1):c.586G>A (p.Val196Ile)

Gene: PRKG1 (protein kinase cGMP-dependent 1; plus strand). Cytogenetic location: 10q21.1.
Variant type: single nucleotide variant.
Coding change: c.586G>A on transcript NM_006258.4 (MANE Select); coding-DNA position 586, G replaced by A.
Protein change: p.Val196Ile; replaces valine 196 with isoleucine.
Molecular consequence: missense variant.
Genome position (GRCh38, 1-based): chr10:51,467,830, G>A. VCF-style: chr10-51467830-G-A. GRCh37 (hg19) VCF-style: chr10-53227590-G-A.
Other names: c.541G>A, p.Val181Ile (LRG_1135t2, NM_001098512.3); c.586G>A, p.Val196Ile (LRG_1135t1); short protein forms V181I, V196I.
Identifiers: ClinVar variation 568910 (VCV000568910.9), dbSNP rs777385159, ClinGen allele CA5503180.